The following is an entry in ClinVar:

NM_004172.5(SLC1A3):c.1094+12T>C

Genes: SLC1A3 (solute carrier family 1 member 3; plus strand), SLC1A3-AS1 (SLC1A3 antisense RNA 1; minus strand). Cytogenetic location: 5p13.2.
Variant type: single nucleotide variant.
Coding change: c.1094+12T>C on transcript NM_004172.5 (MANE Select); 12 bases into the intron after coding-DNA position 1094, T replaced by C.
Molecular consequence: intron variant.
Genome position (GRCh38, 1-based): chr5:36,679,872, T>C. VCF-style: chr5-36679872-T-C. GRCh37 (hg19) VCF-style: chr5-36679974-T-C.
Other names: c.1094+12T>C (NM_001166695.3); c.758+12T>C (NM_001289940.2); c.956+12T>C (NM_001289939.2).
Identifiers: ClinVar variation 907392 (VCV000907392.11), dbSNP rs141636019, ClinGen allele CA3235605.

ClinVar aggregate classification (germline): Benign. Review status: criteria provided, multiple submitters, no conflicts (2 of 4 stars). 2 submissions from 2 submitters: Benign (2). Last evaluated 2025-11-01.

Conditions:
Episodic ataxia type 6. Identifiers: Orphanet 209967, MedGen C2675211, MONDO:0012982, OMIM 612656.

Allele frequency attached by ClinVar (database versions not stated): gnomAD exomes 0.00020 and 0.00045; ExAC 0.00052; ESP Exome Variant Server 0.00169; 1000 Genomes Project 0.00200; TOPMed 0.00206; 1000 Genomes Project 30x 0.00250.
gnomAD v4.1: 569 of 1,585,560 alleles (0.036%); highest among the groups gnomAD compares: African/African-American, 0.72%; 2 homozygotes.

Submissions (2):

Labcorp Genetics (formerly Invitae), Labcorp
Classification: Benign. Last evaluated: 2025-11-01. Review status: criteria provided, single submitter. Criteria: Invitae Variant Classification Sherloc (09022015). Collection method: clinical testing. Allele origin: germline.

Illumina Laboratory Services, Illumina
Classification: Benign for Episodic ataxia type 6. Last evaluated: 2018-01-12. Review status: criteria provided, single submitter. Criteria: ICSL Variant Classification Criteria 13 December 2019. Collection method: clinical testing. Allele origin: germline.
Comment: This variant was observed in the ICSL laboratory as part of a predisposition screen in an ostensibly healthy population. It had not been previously curated by ICSL or reported in the Human Gene Mutation Database (HGMD: prior to June 1st, 2018), and was therefore a candidate for classification through an automated scoring system. Utilizing variant allele frequency, disease prevalence and penetrance estimates, and inheritance mode, an automated score was calculated to assess if this variant is too frequent to cause the disease. Based on the score and internal cut-off values, a variant classified as benign is not then subjected to further curation. The score for this variant resulted in a classification of benign for this disease.